The following is an entry in ClinVar:

ClinVar aggregate classification (germline): Pathogenic (1 of 4 stars; one submission).

Conditions:
Glycogen storage disease, type II (IOPD). Also called: POMPE DISEASE, INFANTILE-ONSET; GLYCOGEN STORAGE DISEASE II, INFANTILE-ONSET; ACID ALPHA-GLUCOSIDASE DEFICIENCY, INFANTILE-ONSET; GAA DEFICIENCY, INFANTILE-ONSET; ACID MALTASE DEFICIENCY, INFANTILE-ONSET; GLYCOGENOSIS, GENERALIZED, CARDIAC FORM. Identifiers: Orphanet 365, MedGen C0017921, MONDO:0009290, OMIM 232300.

Submission:

Women's Health and Genetics/Laboratory Corporation of America, LabCorp
Classification: Pathogenic for Glycogen storage disease, type II. Last evaluated: 2017-12-11. Review status: criteria provided, single submitter. Criteria: LabCorp Variant Classification Summary - May 2015. Collection method: clinical testing. Allele origin: germline.
Comment: Variant summary: The GAA c.148_859-11del (p.Gly50HisfsX37) variant involves a deletion spanning exons 2-4. The frequency of this variant in the general population could not be determined as the technology used for large population databases (gnomAD, ExAC, ESP, 1000G) cannot detect deletions of this size. Multiple publications, McCready_20007 and Kishnani_2006, have cited the variant in compound heterozygote and homozygote pts presenting with no GAA activity. However, the variant of interest has not, to our knowledge, been cited by clinical diagnostic laboratories, although reputable databases have cited the variant. Taken together, this variant is classified as pathogenic.

Literature cited by the submitters: PubMed 18425781; PubMed 17723315; PubMed 29122469; PubMed 16860134.

NM_000152.5(GAA):c.148_859-11del

Gene: GAA (alpha glucosidase; plus strand). Cytogenetic location: 17q25.3.
Variant type: Deletion.
Coding change: c.148_859-11del on transcript NM_000152.5 (MANE Select); coding-DNA position 148 through 11 bases into the intron before coding-DNA position 859, 3,056 bases deleted.
Molecular consequence: splice acceptor variant, splice donor variant.
Genome position (GRCh38, 1-based): chr17:80,104,734-80,107,789, 3,056 bases deleted. GRCh37 (hg19): chr17:78,078,533-78,081,588.
Other names: c.148_859-11del (LRG_673t1, NM_001079803.3, NM_001079804.3).
Identifiers: ClinVar variation 633223 (VCV000633223.1), ClinGen allele CA658795223.